The following is an entry in ClinVar:

NM_203446.3(SYNJ1):c.-81G>T

Gene: SYNJ1 (synaptojanin 1; minus strand). Cytogenetic location: 21q22.11.
Variant type: single nucleotide variant.
Coding change: c.-81G>T on transcript NM_203446.3 (MANE Select); 81 bases upstream of the start codon, G replaced by T.
Molecular consequence: 5 prime UTR variant. On other transcripts: missense variant (1).
Genome position (GRCh38, 1-based): chr21:32,728,004, C>A on the plus strand (G>T on the coding strand, the complement: SYNJ1 is on the minus strand). VCF-style: chr21-32728004-C-A. GRCh37 (hg19) VCF-style: chr21-34100315-C-A.
Other names: c.37G>T, p.Ala13Ser (NM_003895.4); short protein forms A13S.
Identifiers: ClinVar variation 852777 (VCV000852777.7), dbSNP rs907760868, ClinGen allele CA319437693.

ClinVar aggregate classification (germline): Uncertain significance (1 of 4 stars; one submission).

Conditions:
Developmental and epileptic encephalopathy, 53. Also called: Epileptic encephalopathy, early infantile, 53. Identifiers: MedGen C4479313, MONDO:0033362, OMIM 617389.
Early-onset Parkinson disease 20. Also called: PARKINSON DISEASE 20, AUTOSOMAL RECESSIVE EARLY-ONSET. Identifiers: Orphanet 391411, MedGen C3809824, MONDO:0014233, OMIM 615530.

Allele frequency attached by ClinVar (database versions not stated): TOPMed below 0.00001; gnomAD 0.00001.

Submission:

Labcorp Genetics (formerly Invitae), Labcorp
Classification: Uncertain significance for Developmental and epileptic encephalopathy, 53; Early-onset Parkinson disease 20. Last evaluated: 2022-09-07. Review status: criteria provided, single submitter. Criteria: Invitae Variant Classification Sherloc (09022015). Collection method: clinical testing. Allele origin: germline.
Comment: This sequence change replaces alanine, which is neutral and non-polar, with serine, which is neutral and polar, at codon 13 of the SYNJ1 protein (p.Ala13Ser). This variant is not present in population databases (gnomAD no frequency). This variant has not been reported in the literature in individuals affected with SYNJ1-related conditions. ClinVar contains an entry for this variant (Variation ID: 852777). Algorithms developed to predict the effect of missense changes on protein structure and function are either unavailable or do not agree on the potential impact of this missense change (SIFT: "Deleterious"; PolyPhen-2: "Benign"; Align-GVGD: "Class C0"). In summary, the available evidence is currently insufficient to determine the role of this variant in disease. Therefore, it has been classified as a Variant of Uncertain Significance.